The following is an entry in ClinVar:

NM_152703.5(SAMD9L):c.1462A>C (p.Asn488His)

Gene: SAMD9L (sterile alpha motif domain containing 9 like; minus strand). Cytogenetic location: 7q21.2.
Variant type: single nucleotide variant.
Coding change: c.1462A>C on transcript NM_152703.5 (MANE Select); coding-DNA position 1462, A replaced by C.
Protein change: p.Asn488His; replaces asparagine 488 with histidine.
Molecular consequence: missense variant.
Genome position (GRCh38, 1-based): chr7:93,134,510, T>G on the plus strand (A>C on the coding strand, the complement: SAMD9L is on the minus strand). VCF-style: chr7-93134510-T-G. GRCh37 (hg19) VCF-style: chr7-92763823-T-G.
Other names: c.1462A>C, p.Asn488His (NM_001303496.3, NM_001303497.3, NM_001303498.3 and 5 more transcripts); short protein forms N488H.
Identifiers: ClinVar variation 4159322 (VCV004159322.2).

ClinVar aggregate classification (germline): Uncertain significance. Review status: criteria provided, multiple submitters, no conflicts (2 of 4 stars). 2 submissions from 2 submitters: Uncertain significance (2). Last evaluated 2025-07-12.

Conditions:
Inborn genetic diseases. Identifiers: MedGen C0950123, MeSH D030342.

gnomAD v4.1: 3 of 1,613,886 alleles (0.00019%); highest among the groups gnomAD compares: African/African-American, 0.0013%; no homozygotes.

Submissions (2):

Ambry Genetics
Classification: Uncertain significance for Inborn genetic diseases. Last evaluated: 2025-07-12. Review status: criteria provided, single submitter. Criteria: Ambry Variant Classification Scheme 2023. Collection method: clinical testing. Allele origin: germline.
Comment: The p.N488H variant (also known as c.1462A>C), located in coding exon 1 of the SAMD9L gene, results from an A to C substitution at nucleotide position 1462. The asparagine at codon 488 is replaced by histidine, an amino acid with similar properties. This amino acid position is conserved. In addition, this alteration is predicted to be tolerated by in silico analysis. Based on the available evidence, the clinical significance of this variant remains unclear.

Labcorp Genetics (formerly Invitae), Labcorp
Classification: Uncertain significance. Last evaluated: 2025-06-27. Review status: criteria provided, single submitter. Criteria: Invitae Variant Classification Sherloc (09022015). Collection method: clinical testing. Allele origin: germline.
Comment: This sequence change replaces asparagine, which is neutral and polar, with histidine, which is basic and polar, at codon 488 of the SAMD9L protein (p.Asn488His). This variant is present in population databases (rs747917120, gnomAD 0.007%). This variant has not been reported in the literature in individuals affected with SAMD9L-related conditions. Invitae Evidence Modeling of protein sequence and biophysical properties (such as structural, functional, and spatial information, amino acid conservation, physicochemical variation, residue mobility, and thermodynamic stability) has been performed for this missense variant. However, the output from this modeling did not meet the statistical confidence thresholds required to predict the impact of this variant on SAMD9L protein function. In summary, the available evidence is currently insufficient to determine the role of this variant in disease. Therefore, it has been classified as a Variant of Uncertain Significance.